The following is an entry in ClinVar:

ClinVar aggregate classification (germline): Uncertain significance. Review status: criteria provided, multiple submitters, no conflicts (2 of 4 stars). 3 submissions from 3 submitters: Uncertain significance (3). Last evaluated 2025-04-01.

Conditions:
Classic or attenuated familial adenomatous polyposis. Identifiers: MedGen CN372698, MONDO:0021057.
Hereditary cancer-predisposing syndrome. Also called: Neoplastic Syndromes, Hereditary; Tumor predisposition; Hereditary neoplastic syndrome; Hereditary Cancer Syndrome. Identifiers: Orphanet 140162, MedGen C0027672, MeSH D009386, MONDO:0015356.
Familial adenomatous polyposis 1 (FAP1). Also called: POLYPOSIS, ADENOMATOUS INTESTINAL; FAMILIAL ADENOMATOUS POLYPOSIS 1, ATTENUATED. Identifiers: MedGen C2713442, MONDO:0021056, OMIM 175100. Disease mechanism: loss of function.

Allele frequency attached by ClinVar (database versions not stated): gnomAD exomes below 0.00001.
gnomAD v4.1: 5 of 1,614,048 alleles (0.00031%); highest among the groups gnomAD compares: East Asian, 0.0022%; no homozygotes.

Submissions (3):

Ambry Genetics
Classification: Uncertain significance for Hereditary cancer-predisposing syndrome. Last evaluated: 2025-04-01. Review status: criteria provided, single submitter. Criteria: Ambry Variant Classification Scheme 2023. Collection method: clinical testing. Allele origin: germline.
Comment: The p.V2438I variant (also known as c.7312G>A), located in coding exon 15 of the APC gene, results from a G to A substitution at nucleotide position 7312. The valine at codon 2438 is replaced by isoleucine, an amino acid with highly similar properties. This alteration was seen in 0/732 breast cancer patients, 1/189 colorectal cancer patients and 0/490 cancer-free elderly controls in a Turkish population (Akcay IM et al. Int J Cancer, 2021 Jan;148:285-295). This amino acid position is highly conserved in available vertebrate species. In addition, in silico predictors for this gene do not accurately predict pathogenicity. Missense alterations in APC are not a common cause of disease (Spier I et al. Genet Med. 2024 Feb;26(2):100992). Based on the available evidence, the clinical significance of this variant remains unclear.

Labcorp Genetics (formerly Invitae), Labcorp
Classification: Uncertain significance for Familial adenomatous polyposis 1. Last evaluated: 2024-09-23. Review status: criteria provided, single submitter. Criteria: Invitae Variant Classification Sherloc (09022015). Collection method: clinical testing. Allele origin: germline.
Comment: This sequence change replaces valine, which is neutral and non-polar, with isoleucine, which is neutral and non-polar, at codon 2438 of the APC protein (p.Val2438Ile). This variant is not present in population databases (gnomAD no frequency). This missense change has been observed in individual(s) with clinical features of APC-related conditions (PMID: 32658311). ClinVar contains an entry for this variant (Variation ID: 2144743). Invitae Evidence Modeling of protein sequence and biophysical properties (such as structural, functional, and spatial information, amino acid conservation, physicochemical variation, residue mobility, and thermodynamic stability) indicates that this missense variant is not expected to disrupt APC protein function with a negative predictive value of 95%. In summary, the available evidence is currently insufficient to determine the role of this variant in disease. Therefore, it has been classified as a Variant of Uncertain Significance.

All of Us Research Program, National Institutes of Health
Classification: Uncertain significance for Classic or attenuated familial adenomatous polyposis. Last evaluated: 2023-06-26. Review status: criteria provided, single submitter. Criteria: ACMG Guidelines, 2015. Collection method: clinical testing. Allele origin: germline. Inheritance: Autosomal dominant inheritance. Observed: 1 variant allele, 1 heterozygote.
Comment: This missense variant replaces valine with isoleucine at codon 2438 of the APC protein. Computational prediction suggests that this variant may not impact protein structure and function (internally defined REVEL score threshold <= 0.5, PMID: 27666373). To our knowledge, functional studies have not been reported for this variant. This variant has been reported in an individual affected with colorectal cancer (PMID: 32658311). This variant has not been identified in the general population by the Genome Aggregation Database (gnomAD). The available evidence is insufficient to determine the role of this variant in disease conclusively. Therefore, this variant is classified as a Variant of Uncertain Significance.

This study involves interpretation of variants in research participants for the purpose of population health screening. Participant phenotype was not available at the time of variant classification. Additional details can be found in publication PMID: 35346344, PMCID: PMC8962531

Literature cited by the submitters: PubMed 32658311 (cited by 3 submitters).

NM_000038.6(APC):c.7312G>A (p.Val2438Ile)

Gene: APC (APC regulator of Wnt signaling pathway; plus strand). Cytogenetic location: 5q22.2.
Variant type: single nucleotide variant.
Coding change: c.7312G>A on transcript NM_000038.6 (MANE Select); coding-DNA position 7312, G replaced by A.
Protein change: p.Val2438Ile; replaces valine 2438 with isoleucine.
Molecular consequence: missense variant.
Genome position (GRCh38, 1-based): chr5:112,842,906, G>A. VCF-style: chr5-112842906-G-A. GRCh37 (hg19) VCF-style: chr5-112178603-G-A.
Other names: c.7312G>A, p.Val2438Ile (NM_001127510.3, NM_001354895.2, NM_001407450.1); c.7258G>A, p.Val2420Ile (NM_001127511.3); c.7366G>A, p.Val2456Ile (NM_001354896.2, NM_001407447.1, NM_001407448.1 and 1 more transcripts); c.7342G>A, p.Val2448Ile (NM_001354897.2); c.7237G>A, p.Val2413Ile (NM_001354898.2); c.7228G>A, p.Val2410Ile (NM_001354899.2); c.7189G>A, p.Val2397Ile (NM_001354900.2); c.7135G>A, p.Val2379Ile (NM_001354901.2, NM_001407453.1); and 12 more; short protein forms V2355I, V2397I, V2413I, V2420I, V2337I, V2428I, V2456I, V2054I.
Identifiers: ClinVar variation 2144743 (VCV002144743.6), dbSNP rs1766445332, ClinGen allele CA16037253.